The following is an entry in ClinVar:

ClinVar aggregate classification (germline): Uncertain significance (1 of 4 stars; one submission).

Submission:

GeneDx
Classification: Uncertain significance. Last evaluated: 2020-01-06. Review status: criteria provided, single submitter. Criteria: GeneDx Variant Classification Process June 2021. Collection method: clinical testing. Allele origin: germline. Affected: yes.
Comment: Has not been previously published as pathogenic or benign to our knowledge; Not observed in large population cohorts (Lek et al., 2016); Frameshift variant predicted to result in protein truncation or nonsense mediated decay in a gene for which loss-of-function is not a well-established mechanism of disease

NM_020774.4(MIB1):c.2322del (p.Gln774fs)

Gene: MIB1 (MIB E3 ubiquitin protein ligase 1; plus strand). Cytogenetic location: 18q11.2.
Variant type: Deletion.
Coding change: c.2322del on transcript NM_020774.4 (MANE Select); coding-DNA position 2322, one base deleted (A; older notation c.2322delA).
Protein change: p.Gln774fs; shifts the reading frame from glutamine 774.
Molecular consequence: frameshift variant.
Genome position (GRCh38, 1-based): chr18:21,847,054, A deleted; the last of 2 consecutive A bases (chr18:21,847,053-21,847,054); deleting either gives the same sequence. VCF-style (leftmost placement, unchanged base first): chr18-21847052-CA-C. GRCh37 (hg19) VCF-style: chr18-19427013-CA-C.
Other names: short protein forms Q774fs.
Identifiers: ClinVar variation 1199422 (VCV001199422.3), dbSNP rs2146508957, ClinGen allele CA2499225055.